The following is an entry in ClinVar:

NM_025132.4(WDR19):c.3749C>T (p.Thr1250Met)

Gene: WDR19 (WD repeat domain 19; plus strand). Cytogenetic location: 4p14.
Variant type: single nucleotide variant.
Coding change: c.3749C>T on transcript NM_025132.4 (MANE Select); coding-DNA position 3749, C replaced by T.
Protein change: p.Thr1250Met; replaces threonine 1250 with methionine.
Molecular consequence: missense variant.
Genome position (GRCh38, 1-based): chr4:39,277,052, C>T. VCF-style: chr4-39277052-C-T. GRCh37 (hg19) VCF-style: chr4-39278672-C-T.
Other names: c.3269C>T, p.Thr1090Met (NM_001317924.2); short protein forms T1090M, T1250M.
Identifiers: ClinVar variation 957478 (VCV000957478.8), dbSNP rs529745222, ClinGen allele CA2892473.

ClinVar aggregate classification (germline): Uncertain significance. Review status: criteria provided, multiple submitters, no conflicts (2 of 4 stars). 3 submissions from 3 submitters: Uncertain significance (3). Last evaluated 2023-07-14.

Conditions:
Asphyxiating thoracic dystrophy 5 (SRTD5). Also called: SHORT-RIB THORACIC DYSPLASIA 5 WITH OR WITHOUT POLYDACTYLY; SHORT-RIB THORACIC DYSPLASIA 5 WITHOUT POLYDACTYLY. Identifiers: Orphanet 474, MedGen C3280598, MONDO:0013717, OMIM 614376.
Senior-Loken syndrome 8 (SLSN8). Identifiers: Orphanet 3156, MedGen C4225376, MONDO:0014579, OMIM 616307.
Spermatogenic failure 72 (SPGF72). Identifiers: MedGen C5676980, MONDO:0030809, OMIM 619867.
Nephronophthisis 13 (NPHP13). Identifiers: Orphanet 655, MedGen C3280612, MONDO:0013718, OMIM 614377.
Cranioectodermal dysplasia 4 (CED4). Identifiers: Orphanet 1515, MedGen C3280616, MONDO:0013719, OMIM 614378.

Allele frequency attached by ClinVar (database versions not stated): gnomAD exomes 0.00002 and 0.00004; gnomAD 0.00003 and 0.00005; TOPMed 0.00003; ExAC 0.00006; 1000 Genomes Project 30x 0.00031; 1000 Genomes Project 0.00040.
gnomAD v4.1: 43 of 1,613,756 alleles (0.0027%); highest among the groups gnomAD compares: Middle Eastern, 0.033%; no homozygotes.

Submissions (3):

Labcorp Genetics (formerly Invitae), Labcorp
Classification: Uncertain significance for Senior-Loken syndrome 8; Asphyxiating thoracic dystrophy 5. Last evaluated: 2023-07-14. Review status: criteria provided, single submitter. Criteria: Invitae Variant Classification Sherloc (09022015). Collection method: clinical testing. Allele origin: germline.
Comment: This sequence change replaces threonine, which is neutral and polar, with methionine, which is neutral and non-polar, at codon 1250 of the WDR19 protein (p.Thr1250Met). This variant is present in population databases (rs529745222, gnomAD 0.009%). This variant has not been reported in the literature in individuals affected with WDR19-related conditions. ClinVar contains an entry for this variant (Variation ID: 957478). Advanced modeling of protein sequence and biophysical properties (such as structural, functional, and spatial information, amino acid conservation, physicochemical variation, residue mobility, and thermodynamic stability) performed at Invitae indicates that this missense variant is not expected to disrupt WDR19 protein function. In summary, the available evidence is currently insufficient to determine the role of this variant in disease. Therefore, it has been classified as a Variant of Uncertain Significance.

Fulgent Genetics
Classification: Uncertain significance for Asphyxiating thoracic dystrophy 5; Nephronophthisis 13; Cranioectodermal dysplasia 4; Senior-Loken syndrome 8; Spermatogenic failure 72. Last evaluated: 2022-04-05. Review status: criteria provided, single submitter. Criteria: ACMG Guidelines, 2015. Collection method: clinical testing. Allele origin: unknown.

Breakthrough Genomics
Classification: Uncertain significance. Review status: criteria provided, single submitter. Criteria: ACMG Guidelines, 2015. Collection method: not provided. Allele origin: germline. Inheritance: Autosomal recessive inheritance. Affected: yes.